The following is an entry in ClinVar:

ClinVar aggregate classification (germline): Uncertain significance. Review status: criteria provided, multiple submitters, no conflicts (2 of 4 stars). 2 submissions from 2 submitters: Uncertain significance (2). Last evaluated 2022-11-27.

Submissions (2):

Labcorp Genetics (formerly Invitae), Labcorp
Classification: Uncertain significance. Last evaluated: 2022-11-27. Review status: criteria provided, single submitter. Criteria: Invitae Variant Classification Sherloc (09022015). Collection method: clinical testing. Allele origin: germline.
Comment: This sequence change falls in intron 5 of the PITPNM3 gene. It does not directly change the encoded amino acid sequence of the PITPNM3 protein. It affects a nucleotide within the consensus splice site. This variant is not present in population databases (gnomAD no frequency). This variant has not been reported in the literature in individuals affected with PITPNM3-related conditions. Variants that disrupt the consensus splice site are a relatively common cause of aberrant splicing (PMID: 17576681, 9536098). Algorithms developed to predict the effect of sequence changes on RNA splicing suggest that this variant may create or strengthen a splice site. In summary, the available evidence is currently insufficient to determine the role of this variant in disease. Therefore, it has been classified as a Variant of Uncertain Significance.

Blueprint Genetics
Classification: Uncertain significance. Last evaluated: 2019-07-21. Review status: criteria provided, single submitter. Criteria: ACMG Guidelines, 2015. Collection method: clinical testing. Allele origin: germline.

Literature cited by the submitters: PubMed 17576681 (cited by Labcorp Genetics (formerly Invitae), Labcorp); PubMed 9536098 (cited by Labcorp Genetics (formerly Invitae), Labcorp).

NM_031220.4(PITPNM3):c.351+5G>A

Gene: PITPNM3 (PITPNM family member 3; minus strand). Cytogenetic location: 17p13.2.
Variant type: single nucleotide variant.
Coding change: c.351+5G>A on transcript NM_031220.4 (MANE Select); 5 bases into the intron after coding-DNA position 351, G replaced by A.
Molecular consequence: intron variant.
Genome position (GRCh38, 1-based): chr17:6,484,211, C>T on the plus strand (G>A on the coding strand, the complement: PITPNM3 is on the minus strand). VCF-style: chr17-6484211-C-T. GRCh37 (hg19) VCF-style: chr17-6387531-C-T.
Other names: c.243+5G>A (NM_001165966.2).
Identifiers: ClinVar variation 2982355 (VCV002982355.4), dbSNP rs1281853442, ClinGen allele CA658791042.